The following is an entry in ClinVar:

ClinVar aggregate classification (germline): Uncertain significance (1 of 4 stars; one submission).

Conditions:
Norman-Roberts syndrome (LIS2). Also called: Lissencephaly 2 (Norman-Roberts type). Identifiers: Orphanet 89844, MedGen C0796089, MONDO:0009760, OMIM 257320.
Familial temporal lobe epilepsy 7. Identifiers: Orphanet 101046, MedGen C4225327, MONDO:0014639, OMIM 616436.

Submission:

Labcorp Genetics (formerly Invitae), Labcorp
Classification: Uncertain significance for Familial temporal lobe epilepsy 7; Norman-Roberts syndrome. Last evaluated: 2025-06-08. Review status: criteria provided, single submitter. Criteria: Invitae Variant Classification Sherloc (09022015). Collection method: clinical testing. Allele origin: germline.
Comment: This sequence change replaces phenylalanine, which is neutral and non-polar, with leucine, which is neutral and non-polar, at codon 124 of the RELN protein (p.Phe124Leu). This variant is not present in population databases (gnomAD no frequency). This variant has not been reported in the literature in individuals affected with RELN-related conditions. Invitae Evidence Modeling of protein sequence and biophysical properties (such as structural, functional, and spatial information, amino acid conservation, physicochemical variation, residue mobility, and thermodynamic stability) indicates that this missense variant is not expected to disrupt RELN protein function with a negative predictive value of 80%. In summary, the available evidence is currently insufficient to determine the role of this variant in disease. Therefore, it has been classified as a Variant of Uncertain Significance.

NM_005045.4(RELN):c.372T>A (p.Phe124Leu)

Gene: RELN (reelin; minus strand). Cytogenetic location: 7q22.1.
Variant type: single nucleotide variant.
Coding change: c.372T>A on transcript NM_005045.4 (MANE Select); coding-DNA position 372, T replaced by A.
Protein change: p.Phe124Leu; replaces phenylalanine 124 with leucine.
Molecular consequence: missense variant.
Genome position (GRCh38, 1-based): chr7:103,833,638, A>T on the plus strand (T>A on the coding strand, the complement: RELN is on the minus strand). VCF-style: chr7-103833638-A-T. GRCh37 (hg19) VCF-style: chr7-103474085-A-T.
Other names: c.372T>A, p.Phe124Leu (NM_173054.3); short protein forms F124L.
Identifiers: ClinVar variation 4782686 (VCV004782686.1).